The following is an entry in ClinVar:

NM_031935.3(HMCN1):c.11191G>A (p.Val3731Ile)

Gene: HMCN1 (hemicentin 1; plus strand). Cytogenetic location: 1q31.1.
Variant type: single nucleotide variant.
Coding change: c.11191G>A on transcript NM_031935.3 (MANE Select); coding-DNA position 11191, G replaced by A.
Protein change: p.Val3731Ile; replaces valine 3731 with isoleucine.
Molecular consequence: missense variant.
Genome position (GRCh38, 1-based): chr1:186,114,038, G>A. VCF-style: chr1-186114038-G-A. GRCh37 (hg19) VCF-style: chr1-186083170-G-A.
Other names: short protein forms V3731I.
Identifiers: ClinVar variation 294226 (VCV000294226.11), dbSNP rs773110395, ClinGen allele CA1293961.

ClinVar aggregate classification (germline): Uncertain significance. Review status: criteria provided, multiple submitters, no conflicts (2 of 4 stars). 3 submissions from 3 submitters: Uncertain significance (3). Last evaluated 2026-01-13.

Conditions:
Age related macular degeneration 1 (ARMD1). Also called: MACULOPATHY, AGE-RELATED, 1. Identifiers: MedGen C1864205, MONDO:0011285, OMIM 603075.

Allele frequency attached by ClinVar (database versions not stated): gnomAD 0.00003; TOPMed 0.00006.
gnomAD v4.1: 21 of 1,614,110 alleles (0.0013%); highest among the groups gnomAD compares: East Asian, 0.013%; no homozygotes.

Submissions (3):

Labcorp Genetics (formerly Invitae), Labcorp
Classification: Uncertain significance. Last evaluated: 2026-01-13. Review status: criteria provided, single submitter. Criteria: Invitae Variant Classification Sherloc (09022015). Collection method: clinical testing. Allele origin: germline.
Comment: This sequence change replaces valine, which is neutral and non-polar, with isoleucine, which is neutral and non-polar, at codon 3731 of the HMCN1 protein (p.Val3731Ile). This variant is present in population databases (rs773110395, gnomAD 0.01%). This variant has not been reported in the literature in individuals affected with HMCN1-related conditions. ClinVar contains an entry for this variant (Variation ID: 294226). An algorithm developed to predict the effect of missense changes on protein structure and function outputs the following: PolyPhen-2: "Benign". The isoleucine amino acid residue is found in multiple mammalian species, which suggests that this missense change does not adversely affect protein function. In summary, the available evidence is currently insufficient to determine the role of this variant in disease. Therefore, it has been classified as a Variant of Uncertain Significance.

Genome-Nilou Lab
Classification: Uncertain significance for Age related macular degeneration 1. Last evaluated: 2023-04-11. Review status: criteria provided, single submitter. Criteria: ACMG Guidelines, 2015. Collection method: clinical testing. Allele origin: germline. Affected: no.

Illumina Laboratory Services, Illumina
Classification: Uncertain significance for Age related macular degeneration 1. Last evaluated: 2018-01-13. Review status: criteria provided, single submitter. Criteria: ICSL Variant Classification Criteria 13 December 2019. Collection method: clinical testing. Allele origin: germline.